The following is an entry in ClinVar:

ClinVar aggregate classification (germline): Likely benign. Review status: criteria provided, single submitter (1 of 4 stars). 2 submissions from 2 submitters: Likely benign (1). 1 of the submissions does not count toward it. Last evaluated 2025-10-23.

Conditions:
AK7-related disorder. Also called: AK7-related condition.

Allele frequency attached by ClinVar (database versions not stated): gnomAD exomes 0.00012; ExAC 0.00014; 1000 Genomes Project 30x 0.00031; 1000 Genomes Project 0.00040; gnomAD 0.00055 and 0.00058; TOPMed 0.00065; ESP Exome Variant Server 0.00069.
gnomAD v4.1: 156 of 1,613,546 alleles (0.0097%); highest among the groups gnomAD compares: African/African-American, 0.18%; no homozygotes.

Submissions (3):

Labcorp Genetics (formerly Invitae), Labcorp
Classification: Likely benign. Last evaluated: 2025-10-23. Review status: criteria provided, single submitter. Criteria: Invitae Variant Classification Sherloc (09022015). Collection method: clinical testing. Allele origin: germline.

PreventionGenetics, part of Exact Sciences
Classification: Likely benign for AK7-related condition. Last evaluated: 2021-10-25. Review status: no assertion criteria provided. Collection method: clinical testing. Allele origin: germline. Not counted in ClinVar's aggregate classification.
Comment: This variant is classified as likely benign based on ACMG/AMP sequence variant interpretation guidelines (Richards et al. 2015 PMID: 25741868, with internal and published modifications).

Dr. Peter K. Rogan Lab, Western University
No classification provided (evidence only). Condition: Familial cancer of breast. Review status: no classification provided. Collection method: in vitro. Allele origin: not applicable. Functional consequence: retained intron. Not counted in ClinVar's aggregate classification.

NM_152327.5(AK7):c.681A>T (p.Thr227=)

Gene: AK7 (adenylate kinase 7; plus strand). Cytogenetic location: 14q32.2.
Variant type: single nucleotide variant.
Coding change: c.681A>T on transcript NM_152327.5 (MANE Select); coding-DNA position 681, A replaced by T.
Protein change: p.Thr227=; no amino-acid change (threonine 227 retained).
Molecular consequence: synonymous variant.
Genome position (GRCh38, 1-based): chr14:96,437,906, A>T. VCF-style: chr14-96437906-A-T. GRCh37 (hg19) VCF-style: chr14-96904243-A-T.
Other names: c.681A>T, p.Thr227= (NM_001350888.2, NM_001350890.2, NM_001350891.2 and 1 more transcripts); c.681A>T (NM_152327.3).
Identifiers: ClinVar variation 1627053 (VCV001627053.11), dbSNP rs147444886, ClinGen allele CA7337569.